The following is an entry in ClinVar:

NM_002382.5(MAX):c.437C>G (p.Pro146Arg)

Gene: MAX (MYC associated factor X; minus strand). Cytogenetic location: 14q23.3.
Variant type: single nucleotide variant.
Coding change: c.437C>G on transcript NM_002382.5 (MANE Select); coding-DNA position 437, C replaced by G.
Protein change: p.Pro146Arg; replaces proline 146 with arginine.
Molecular consequence: missense variant. On other transcripts: 3 prime UTR variant (12), non-coding transcript variant (7), intron variant (2).
Genome position (GRCh38, 1-based): chr14:65,076,522, G>C on the plus strand (C>G on the coding strand, the complement: MAX is on the minus strand). VCF-style: chr14-65076522-G-C. GRCh37 (hg19) VCF-style: chr14-65543240-G-C.
Other names: c.248C>G, p.Pro83Arg (NM_001320415.2, NM_001407105.1, NM_001407106.1 and 1 more transcripts); c.437C>G, p.Pro146Arg (NM_001407094.1); c.410C>G, p.Pro137Arg (NM_001407095.1, NM_145112.3); c.*210C>G (NM_001407096.1, NM_001407099.1, NM_001407102.1 and 2 more transcripts); c.*226C>G (NM_001407097.1, NM_001407100.1, NM_001407101.1 and 4 more transcripts); c.329C>G, p.Pro110Arg (NM_001407098.1); c.236C>G, p.Pro79Arg (NM_001407111.1, NM_001407112.1); c.144+17186C>G (NM_001271069.2); and 1 more; short protein forms P110R, P137R, P146R, P79R, P83R.
Identifiers: ClinVar variation 2630458 (VCV002630458.1), dbSNP rs2504173182, ClinGen allele CA390031332.
Genomic context (GRCh38, chr14:65,076,522, plus strand): 5'-CTGCCCCGAGTGGCTTAGCTGGCCTCCATCCGGAGCTTCTTCCTGCTTTGGGGCTCTTCA[G>C]GCTCAGACTCCGAGCTGGAGTCCGAGCCCCCATCGAAGGCAGAGATGGTGCTGCCCTTGG-3'
Protein context (NP_002373.3, residues 136-156): GGSDSSSESE[Pro146Arg]EEPQSRKKLR

ClinVar aggregate classification (germline): Uncertain significance (1 of 4 stars; one submission).

Conditions:
MAX-related disorder. Also called: MAX-related condition.

Allele frequency attached by ClinVar (database versions not stated): gnomAD exomes below 0.00001.
gnomAD v4.1: 1 of 1,613,996 alleles (0.000062%); highest among the groups gnomAD compares: African/African-American, 0.0013%; no homozygotes.

Submission:

PreventionGenetics, part of Exact Sciences
Classification: Uncertain significance for MAX-related condition. Last evaluated: 2023-01-31. Review status: criteria provided, single submitter. Criteria: ACMG Guidelines, 2015. Collection method: clinical testing. Allele origin: germline.
Comment: The MAX c.437C>G variant is predicted to result in the amino acid substitution p.Pro146Arg. To our knowledge, this variant has not been reported in the literature or in a large population database, indicating this variant is rare. At this time, the clinical significance of this variant is uncertain due to the absence of conclusive functional and genetic evidence.